The following is an entry in ClinVar:

NM_015627.3(LDLRAP1):c.*1880C>T

Gene: LDLRAP1 (low density lipoprotein receptor adaptor protein 1; plus strand). Cytogenetic location: 1p36.11.
Variant type: single nucleotide variant.
Coding change: c.*1880C>T on transcript NM_015627.3 (MANE Select); 1880 bases downstream of the stop codon, C replaced by T.
Molecular consequence: 3 prime UTR variant.
Genome position (GRCh38, 1-based): chr1:25,568,872, C>T. VCF-style: chr1-25568872-C-T. GRCh37 (hg19) VCF-style: chr1-25895363-C-T.
Identifiers: ClinVar variation 876356 (VCV000876356.4), dbSNP rs563575568, ClinGen allele CA19652244.
Genomic context (GRCh38, chr1:25,568,872, plus strand): 5'-AGTCTTGCTGTGCTTTATTTGTGAAACTTTAATGAGGAAAAAACAAATAATAAATGTTCT[C>T]GTTTTGAAACTCAAGCAACGCTCATCAGGTGGAGTAGACTGGCGGCAGCGTCCGGCGGCT-3'

ClinVar aggregate classification (germline): Benign (1 of 4 stars; one submission).

Conditions:
Hypercholesterolemia, familial, 4 (FHCL4). Also called: HYPERCHOLESTEROLEMIA, AUTOSOMAL RECESSIVE, 1; HYPERCHOLESTEROLEMIA, AUTOSOMAL RECESSIVE, 2. Identifiers: Orphanet 391665, MedGen C1863512, MONDO:0011374, OMIM 603813.

Allele frequency attached by ClinVar (database versions not stated): gnomAD 0.00007 and 0.00086; TOPMed 0.00025; 1000 Genomes Project 0.00499; 1000 Genomes Project 30x 0.00562.

Submission:

Illumina Laboratory Services, Illumina
Classification: Benign for Hypercholesterolemia, familial, 4. Last evaluated: 2018-01-13. Review status: criteria provided, single submitter. Criteria: ICSL Variant Classification Criteria 13 December 2019. Collection method: clinical testing. Allele origin: germline.
Comment: This variant was observed in the ICSL laboratory as part of a predisposition screen in an ostensibly healthy population. It had not been previously curated by ICSL or reported in the Human Gene Mutation Database (HGMD: prior to June 1st, 2018), and was therefore a candidate for classification through an automated scoring system. Utilizing variant allele frequency, disease prevalence and penetrance estimates, and inheritance mode, an automated score was calculated to assess if this variant is too frequent to cause the disease. Based on the score and internal cut-off values, a variant classified as benign is not then subjected to further curation. The score for this variant resulted in a classification of benign for this disease.